The following is an entry in ClinVar:

ClinVar aggregate classification (germline): Uncertain significance (1 of 4 stars; one submission).

Conditions:
Inborn genetic diseases. Identifiers: MedGen C0950123, MeSH D030342.

Submission:

Ambry Genetics
Classification: Uncertain significance for Inborn genetic diseases. Last evaluated: 2024-11-26. Review status: criteria provided, single submitter. Criteria: Ambry Variant Classification Scheme 2023. Collection method: clinical testing. Allele origin: germline.
Comment: The p.V798D variant (also known as c.2393T>A), located in coding exon 1 of the SAMD9 gene, results from a T to A substitution at nucleotide position 2393. The valine at codon 798 is replaced by aspartic acid, an amino acid with highly dissimilar properties. This amino acid position is conserved. In addition, this alteration is predicted to be deleterious by in silico analysis. Based on the available evidence, the clinical significance of this variant remains unclear.

NM_017654.4(SAMD9):c.2393T>A (p.Val798Asp)

Gene: SAMD9 (sterile alpha motif domain containing 9; minus strand). Cytogenetic location: 7q21.2.
Variant type: single nucleotide variant.
Coding change: c.2393T>A on transcript NM_017654.4 (MANE Select); coding-DNA position 2393, T replaced by A.
Protein change: p.Val798Asp; replaces valine 798 with aspartic acid.
Molecular consequence: missense variant.
Genome position (GRCh38, 1-based): chr7:93,103,705, A>T on the plus strand (T>A on the coding strand, the complement: SAMD9 is on the minus strand). VCF-style: chr7-93103705-A-T. GRCh37 (hg19) VCF-style: chr7-92733018-A-T.
Other names: c.2393T>A, p.Val798Asp (NM_001193307.2); short protein forms V798D.
Identifiers: ClinVar variation 3437053 (VCV003437053.1).